The following is an entry in ClinVar:

ClinVar aggregate classification (germline): Uncertain significance (1 of 4 stars; one submission).

Allele frequency attached by ClinVar (database versions not stated): gnomAD exomes below 0.00001; TOPMed below 0.00001; ExAC 0.00001.

Submission:

Labcorp Genetics (formerly Invitae), Labcorp
Classification: Uncertain significance. Last evaluated: 2021-03-07. Review status: criteria provided, single submitter. Criteria: Invitae Variant Classification Sherloc (09022015). Collection method: clinical testing. Allele origin: germline.
Comment: Experimental studies and prediction algorithms are not available or were not evaluated, and the functional significance of this variant is currently unknown. This variant has not been reported in the literature in individuals with SAMD9L-related conditions. This variant is present in population databases (rs748789201, ExAC 0.002%). This sequence change creates a premature translational stop signal (p.Leu398Argfs*6) in the SAMD9L gene. While this is not anticipated to result in nonsense mediated decay, it is expected to disrupt the last 1187 amino acid(s) of the SAMD9L protein. In summary, the available evidence is currently insufficient to determine the role of this variant in disease. Therefore, it has been classified as a Variant of Uncertain Significance.

NM_152703.5(SAMD9L):c.1193del (p.Leu398fs)

Gene: SAMD9L (sterile alpha motif domain containing 9 like; minus strand). Cytogenetic location: 7q21.2.
Variant type: Deletion.
Coding change: c.1193del on transcript NM_152703.5 (MANE Select); coding-DNA position 1193, one base deleted (T; older notation c.1193delT).
Protein change: p.Leu398fs; shifts the reading frame from leucine 398.
Molecular consequence: frameshift variant.
Genome position (GRCh38, 1-based): chr7:93,134,779, A deleted on the plus strand (T on the coding strand, the reverse complement: SAMD9L is on the minus strand). VCF-style (leftmost placement, unchanged base first): chr7-93134778-CA-C. GRCh37 (hg19) VCF-style: chr7-92764091-CA-C.
Other names: c.1193del, p.Leu398fs (NM_001303496.3, NM_001303497.3, NM_001303498.3 and 5 more transcripts); short protein forms L398fs.
Identifiers: ClinVar variation 1376986 (VCV001376986.6), dbSNP rs748789201, ClinGen allele CA4343757.
Genomic context (GRCh38, chr7:93,134,778, plus strand): 5'-AATGTACCAGTCATAGTATGAATTATCCAGTGAGTCTCGGTTTCCTATGAGAAGTTTAAC[CA>C]GCTTTAGTCCTTCACTCTCCTTCTTCATTGCCTTCATTCCATACTCTTCTTCAGCCTCTT-3'